The following is an entry in ClinVar:

NM_014946.4(SPAST):c.*2150G>C

Gene: SPAST (spastin; plus strand). Cytogenetic location: 2p22.3.
Variant type: single nucleotide variant.
Coding change: c.*2150G>C on transcript NM_014946.4 (MANE Select); 2150 bases downstream of the stop codon, G replaced by C.
Molecular consequence: 3 prime UTR variant.
Genome position (GRCh38, 1-based): chr2:32,156,646, G>C. VCF-style: chr2-32156646-G-C. GRCh37 (hg19) VCF-style: chr2-32381715-G-C.
Other names: c.*2150G>C (NM_001363823.2, NM_001363875.2, NM_199436.2); c.*2274G>C (NM_001377959.1).
Identifiers: ClinVar variation 335875 (VCV000335875.6), dbSNP rs147721392, ClinGen allele CA10615128.
Genomic context (GRCh38, chr2:32,156,646, plus strand): 5'-ATGAAAAGAATTGAGAAGTTCTAAATTAAGACATTTCAGTTAAGCTCATAAAATTTCATT[G>C]TTTTCATTTAAAAGATTAACGTTATTGATACTTGGATAACTGGCTAATCATATTAAAGGA-3'

ClinVar aggregate classification (germline): Benign. Review status: criteria provided, multiple submitters, no conflicts (2 of 4 stars). 2 submissions from 2 submitters: Benign (2). Last evaluated 2018-01-13.

Conditions:
Hereditary spastic paraplegia 4. Also called: Spastic paraplegia 4, autosomal dominant; Spastic Paraplegia 4; Familial spastic paraplegia autosomal dominant 2. Identifiers: Orphanet 100985, MedGen C1866855, MONDO:0008438, OMIM 182601.

Allele frequency attached by ClinVar (database versions not stated): 1000 Genomes Project 30x 0.00265; 1000 Genomes Project 0.00280; TOPMed 0.00657; gnomAD 0.03638 and 0.03807.

Submissions (2):

Illumina Laboratory Services, Illumina
Classification: Benign for Hereditary spastic paraplegia 4. Last evaluated: 2018-01-13. Review status: criteria provided, single submitter. Criteria: ICSL Variant Classification Criteria 13 December 2019. Collection method: clinical testing. Allele origin: germline.
Comment: This variant was observed in the ICSL laboratory as part of a predisposition screen in an ostensibly healthy population. It had not been previously curated by ICSL or reported in the Human Gene Mutation Database (HGMD: prior to June 1st, 2018), and was therefore a candidate for classification through an automated scoring system. Utilizing variant allele frequency, disease prevalence and penetrance estimates, and inheritance mode, an automated score was calculated to assess if this variant is too frequent to cause the disease. Based on the score and internal cut-off values, a variant classified as benign is not then subjected to further curation. The score for this variant resulted in a classification of benign for this disease.

Breakthrough Genomics
Classification: Benign. Review status: criteria provided, single submitter. Criteria: ACMG Guidelines, 2015. Collection method: not provided. Allele origin: germline. Inheritance: Autosomal dominant inheritance. Affected: yes.